The following is an entry in ClinVar:

ClinVar aggregate classification (germline): Uncertain significance (1 of 4 stars; one submission).

Conditions:
Familial thoracic aortic aneurysm and aortic dissection (TAAD). Also called: Thoracic aortic aneurysms and dissections. Identifiers: Orphanet 91387, MedGen C4707243, MONDO:0019625.
Marfan syndrome (MFS). Also called: Marfan syndrome type 1; Marfan syndrome, classic; Marfan's syndrome; FBN1-Related Marfan Syndrome; MARFAN SYNDROME, TYPE I. Identifiers: Orphanet 284963, Orphanet 558, MedGen C0024796, MONDO:0007947, OMIM 154700.

Submission:

Labcorp Genetics (formerly Invitae), Labcorp
Classification: Uncertain significance for Marfan syndrome; Familial thoracic aortic aneurysm and aortic dissection. Last evaluated: 2017-08-07. Review status: criteria provided, single submitter. Criteria: Invitae Variant Classification Sherloc (09022015). Collection method: clinical testing. Allele origin: germline.
Comment: In summary, the available evidence is currently insufficient to determine the role of this variant in disease. Therefore, it has been classified as a Variant of Uncertain Significance. Algorithms developed to predict the effect of missense changes on protein structure and function (SIFT, PolyPhen-2, Align-GVGD) all suggest that this variant is likely to be tolerated, but these predictions have not been confirmed by published functional studies and their clinical significance is uncertain. This variant has not been reported in the literature in individuals with FBN1-related disease. This variant is not present in population databases (ExAC no frequency). This sequence change replaces alanine with serine at codon 979 of the FBN1 protein (p.Ala979Ser). The alanine residue is moderately conserved and there is a moderate physicochemical difference between alanine and serine.

NM_000138.5(FBN1):c.2935G>T (p.Ala979Ser)

Gene: FBN1 (fibrillin 1; minus strand). Cytogenetic location: 15q21.1.
Variant type: single nucleotide variant.
Coding change: c.2935G>T on transcript NM_000138.5 (MANE Select); coding-DNA position 2935, G replaced by T.
Protein change: p.Ala979Ser; replaces alanine 979 with serine.
Molecular consequence: missense variant.
Genome position (GRCh38, 1-based): chr15:48,489,998, C>A on the plus strand (G>T on the coding strand, the complement: FBN1 is on the minus strand). VCF-style: chr15-48489998-C-A. GRCh37 (hg19) VCF-style: chr15-48782195-C-A.
Other names: short protein forms A979S.
Identifiers: ClinVar variation 527173 (VCV000527173.8), dbSNP rs748915171, ClinGen allele CA392329649.